The following is an entry in ClinVar:

NM_177438.3(DICER1):c.639A>G (p.Lys213=)

Gene: DICER1 (dicer 1, ribonuclease III; minus strand). Cytogenetic location: 14q32.13.
Variant type: single nucleotide variant.
Coding change: c.639A>G on transcript NM_177438.3 (MANE Select); coding-DNA position 639, A replaced by G.
Protein change: p.Lys213=; no amino-acid change (lysine 213 retained).
Molecular consequence: synonymous variant.
Genome position (GRCh38, 1-based): chr14:95,129,567, T>C on the plus strand (A>G on the coding strand, the complement: DICER1 is on the minus strand). VCF-style: chr14-95129567-T-C. GRCh37 (hg19) VCF-style: chr14-95595904-T-C.
Other names: c.639A>G, p.Lys213= (NM_001195573.1, NM_001271282.3, NM_001291628.2 and 1 more transcripts).
Identifiers: ClinVar variation 242145 (VCV000242145.18), dbSNP rs370474705, ClinGen allele CA7331608.

ClinVar aggregate classification (germline): Conflicting classifications of pathogenicity. Review status: criteria provided, conflicting classifications (1 of 4 stars). 3 submissions from 3 submitters: Uncertain significance (1); Likely benign (2). Last evaluated 2025-07-30.

Conditions:
DICER1-related tumor predisposition. Also called: DICER1 syndrome; DICER1-related pleuropulmonary blastoma cancer predisposition syndrome. Identifiers: Orphanet 284343, MedGen C3839822, MONDO:0100216.
Hereditary cancer-predisposing syndrome. Also called: Neoplastic Syndromes, Hereditary; Tumor predisposition; Hereditary neoplastic syndrome; Hereditary Cancer Syndrome. Identifiers: Orphanet 140162, MedGen C0027672, MeSH D009386, MONDO:0015356.

Allele frequency attached by ClinVar (database versions not stated): gnomAD exomes below 0.00001; ExAC 0.00001; TOPMed 0.00003; ESP Exome Variant Server 0.00008.
gnomAD v4.1: 3 of 1,613,756 alleles (0.00019%); highest among the groups gnomAD compares: Non-Finnish European, 0.00025%; no homozygotes.

Submissions (3):

Labcorp Genetics (formerly Invitae), Labcorp
Classification: Likely benign for DICER1-related tumor predisposition. Last evaluated: 2025-07-30. Review status: criteria provided, single submitter. Criteria: Invitae Variant Classification Sherloc (09022015). Collection method: clinical testing. Allele origin: germline.

GeneDx
Classification: Uncertain significance. Last evaluated: 2023-12-08. Review status: criteria provided, single submitter. Criteria: GeneDx Variant Classification Process June 2021. Collection method: clinical testing. Allele origin: germline. Affected: yes.
Comment: Not observed at significant frequency in large population cohorts (gnomAD); Has not been previously published as pathogenic or benign to our knowledge; In silico analysis suggests this variant may impact gene splicing. In the absence of RNA/functional studies, the actual effect of this sequence change is unknown.

Ambry Genetics
Classification: Likely benign for Hereditary cancer-predisposing syndrome. Last evaluated: 2017-12-05. Review status: criteria provided, single submitter. Criteria: Ambry Variant Classification Scheme 2023. Collection method: clinical testing. Allele origin: germline.